The following is an entry in ClinVar:

ClinVar aggregate classification (germline): Benign/Likely benign. Review status: criteria provided, multiple submitters, no conflicts (2 of 4 stars). 3 submissions from 3 submitters: Benign (1); Likely benign (2). Last evaluated 2024-04-22.

Conditions:
Hereditary cancer-predisposing syndrome. Also called: Tumor predisposition; Hereditary Cancer Syndrome; Neoplastic Syndromes, Hereditary; Hereditary neoplastic syndrome. Identifiers: Orphanet 140162, MedGen C0027672, MeSH D009386, MONDO:0015356.
Familial cancer of breast. Also called: BREAST CANCER, FAMILIAL; hereditary breast carcinoma; Hereditary breast cancer. Identifiers: Orphanet 227535, MedGen C0346153, MONDO:0016419, OMIM 114480. Disease mechanism: loss of function.
Ataxia-telangiectasia syndrome (AT). Also called: Ataxia-telangiectasia; AT, COMPLEMENTATION GROUP C; LOUIS-BAR SYNDROME; Ataxia telangiectasia (A-T); Cerebello-oculocutaneous telangiectasia; Immunodeficiency with ataxia telangiectasia. Identifiers: Orphanet 100, MedGen C0004135, MONDO:0008840, OMIM 208900.

Submissions (3):

Myriad Genetics, Inc.
Classification: Benign for Familial cancer of breast. Last evaluated: 2024-04-22. Review status: criteria provided, single submitter. Criteria: Myriad Autosomal Dominant, Autosomal Recessive and X-Linked Classification Criteria (2023). Collection method: clinical testing. Allele origin: unknown.
Comment: This variant is considered benign. This variant is a silent/synonymous amino acid change and it is not expected to impact splicing.

Ambry Genetics
Classification: Likely benign for Hereditary cancer-predisposing syndrome. Last evaluated: 2023-10-24. Review status: criteria provided, single submitter. Criteria: Ambry Variant Classification Scheme 2023. Collection method: clinical testing. Allele origin: germline.

Labcorp Genetics (formerly Invitae), Labcorp
Classification: Likely benign for Ataxia-telangiectasia syndrome. Last evaluated: 2022-07-06. Review status: criteria provided, single submitter. Criteria: Invitae Variant Classification Sherloc (09022015). Collection method: clinical testing. Allele origin: germline.

NM_000051.4(ATM):c.594C>T (p.Cys198=)

Gene: ATM (ATM serine/threonine kinase; plus strand). Cytogenetic location: 11q22.3.
Variant type: single nucleotide variant.
Coding change: c.594C>T on transcript NM_000051.4 (MANE Select); coding-DNA position 594, C replaced by T.
Protein change: p.Cys198=; no amino-acid change (cysteine 198 retained).
Molecular consequence: synonymous variant.
Genome position (GRCh38, 1-based): chr11:108,244,050, C>T. VCF-style: chr11-108244050-C-T. GRCh37 (hg19) VCF-style: chr11-108114777-C-T.
Other names: c.594C>T, p.Cys198= (NM_001351834.2).
Identifiers: ClinVar variation 754743 (VCV000754743.10), dbSNP rs1591500282, ClinGen allele CA476671451.